The following is an entry in ClinVar:

NM_001356.5(DDX3X):c.1042G>A (p.Glu348Lys)

Gene: DDX3X (DEAD-box helicase 3 X-linked; plus strand). Cytogenetic location: Xp11.4.
Variant type: single nucleotide variant.
Coding change: c.1042G>A on transcript NM_001356.5 (MANE Select); coding-DNA position 1042, G replaced by A.
Protein change: p.Glu348Lys; replaces glutamic acid 348 with lysine.
Molecular consequence: missense variant. On other transcripts: non-coding transcript variant (1).
Genome position (GRCh38, 1-based): chrX:41,345,196, G>A. VCF-style: chrX-41345196-G-A. GRCh37 (hg19) VCF-style: chrX-41204449-G-A.
Other names: c.1042G>A, p.Glu348Lys (NM_001193416.3); c.994G>A, p.Glu332Lys (NM_001193417.3); c.484G>A, p.Glu162Lys (NM_001363819.1); short protein forms E162K, E332K, E348K.
Identifiers: ClinVar variation 4530076 (VCV004530076.1).

ClinVar aggregate classification (somatic clinical impact): Tier II - Potential (1 of 4 stars; one submission).

Conditions:
Neuroblastoma (NB). Identifiers: Orphanet 635, MedGen C0027819, MeSH D009447, MONDO:0005072, HP:0003006.

Submission:

Institute for Genomic Medicine (IGM) Clinical Laboratory, Nationwide Children's Hospital
Classification: Tier II - Potential for Neuroblastoma. Assertion type: diagnostic. Clinical significance: supports diagnosis. Last evaluated: 2024-08-09. Review status: criteria provided, single submitter. Criteria: AMP/ASCO/CAP Guidelines, 2017. Collection method: clinical testing. Allele origin: somatic. Affected: yes.
Comment: Variant has Tier II (potential) clinical significance as a diagnostic inclusion criterion in neuroblastoma, based on the following evidence: 1) Documented in one or more cancer databases (e.g., St. Jude Pecan, COSMIC, CIViC, OncoKB). 2) Information in the literature supports potential biologic effect of variant (PMIDs: 21779027, 26192917, 38057330). 3) Assists in diagnosis alone or along with other biomarkers based on small studies or few case reports (Evidence Level D; PMIDs: 30523111, 23202128).

Literature cited by the submitters: PubMed 21779027; PubMed 26192917; PubMed 38057330; PubMed 30523111; PubMed 23202128.